The following is an entry in ClinVar:

ClinVar aggregate classification (germline): Uncertain significance (1 of 4 stars; one submission).

Conditions:
Catecholaminergic polymorphic ventricular tachycardia 1. Also called: VENTRICULAR TACHYCARDIA, STRESS-INDUCED POLYMORPHIC 1; VENTRICULAR TACHYCARDIA, CATECHOLAMINERGIC POLYMORPHIC, 1, WITH OR WITHOUT ATRIAL DYSFUNCTION AND/OR DILATED CARDIOMYOPATHY; RYR2-Related Catecholaminergic Polymorphic Ventricular Tachycardia. Identifiers: Orphanet 3286, MedGen C1631597, MONDO:0011484, OMIM 604772.

Submission:

Labcorp Genetics (formerly Invitae), Labcorp
Classification: Uncertain significance for Catecholaminergic polymorphic ventricular tachycardia 1. Last evaluated: 2020-03-26. Review status: criteria provided, single submitter. Criteria: Invitae Variant Classification Sherloc (09022015). Collection method: clinical testing. Allele origin: germline.
Comment: This variant is a gross deletion of the genomic region encompassing exon(s) 1 of the RYR2 gene, which includes the initiator codon. The 5' end of this event is unknown as it extends beyond the assayed region for this gene and therefore may encompass additional genes. The 3' boundary is likely confined to intron 1 of the RYR2 gene. This is expected to result in an absent or disrupted protein product. This variant has not been reported in the literature in individuals with RYR2-related conditions. The current clinical and genetic evidence is not sufficient to establish whether loss-of-function variants in RYR2 cause disease. In summary, the available evidence is currently insufficient to determine the role of this variant in disease. Therefore, it has been classified as a Variant of Uncertain Significance.

NC_000001.10:g.(?_237205812)_(237205879_?)del

Gene: RYR2 (ryanodine receptor 2; plus strand). Cytogenetic location: 1q43.
Variant type: Deletion.
Identifiers: ClinVar variation 1014736 (VCV001014736.43).